The following is an entry in ClinVar:

NM_000553.6(WRN):c.4114del (p.Arg1372fs)

Gene: WRN (WRN RecQ like helicase; plus strand). Cytogenetic location: 8p12.
Variant type: Deletion.
Coding change: c.4114del on transcript NM_000553.6 (MANE Select); coding-DNA position 4114, one base deleted (A; older notation c.4114delA).
Protein change: p.Arg1372fs; shifts the reading frame from arginine 1372.
Molecular consequence: frameshift variant.
Genome position (GRCh38, 1-based): chr8:31,167,153, A deleted; the last of 4 consecutive A bases (chr8:31,167,150-31,167,153); deleting any one gives the same sequence. VCF-style (leftmost placement, unchanged base first): chr8-31167149-CA-C. GRCh37 (hg19) VCF-style: chr8-31024665-CA-C.
Other names: short protein forms R1372fs.
Identifiers: ClinVar variation 1038503 (VCV001038503.2), dbSNP rs772047427, ClinGen allele CA4705264.

ClinVar aggregate classification (germline): Uncertain significance (1 of 4 stars; one submission).

Conditions:
Werner syndrome (WRN). Identifiers: Orphanet 902, MedGen C0043119, MONDO:0010196, OMIM 277700.

Submission:

Labcorp Genetics (formerly Invitae), Labcorp
Classification: Uncertain significance for Werner syndrome. Last evaluated: 2022-08-08. Review status: criteria provided, single submitter. Criteria: Invitae Variant Classification Sherloc (09022015). Collection method: clinical testing. Allele origin: germline.
Comment: This sequence change creates a premature translational stop signal (p.Arg1372Glyfs*21) in the WRN gene. While this is not anticipated to result in nonsense mediated decay, it is expected to disrupt the last 61 amino acid(s) of the WRN protein. This variant is present in population databases (rs772047427, gnomAD 0.0009%). This variant has not been reported in the literature in individuals affected with WRN-related conditions. ClinVar contains an entry for this variant (Variation ID: 1038503). Experimental studies and prediction algorithms are not available or were not evaluated, and the functional significance of this variant is currently unknown. In summary, the available evidence is currently insufficient to determine the role of this variant in disease. Therefore, it has been classified as a Variant of Uncertain Significance.